The following is an entry in ClinVar:

ClinVar aggregate classification (germline): Uncertain significance (1 of 4 stars; one submission).

Conditions:
Gastrointestinal stromal tumor. Also called: Gastrointestinal stromal tumor, somatic; Gastrointestinal stroma tumor. Identifiers: Orphanet 44890, MedGen C0238198, MeSH D046152, MONDO:0011719, OMIM 606764, HP:0100723.

Submission:

Labcorp Genetics (formerly Invitae), Labcorp
Classification: Uncertain significance for Gastrointestinal stromal tumor. Last evaluated: 2021-06-08. Review status: criteria provided, single submitter. Criteria: Invitae Variant Classification Sherloc (09022015). Collection method: clinical testing. Allele origin: germline.
Comment: This sequence change replaces glutamic acid with lysine at codon 70 of the PDGFRA protein (p.Glu70Lys). The glutamic acid residue is weakly conserved and there is a small physicochemical difference between glutamic acid and lysine. This variant is not present in population databases (ExAC no frequency). This variant has not been reported in the literature in individuals with PDGFRA-related conditions. Algorithms developed to predict the effect of missense changes on protein structure and function (SIFT, PolyPhen-2, Align-GVGD) all suggest that this variant is likely to be tolerated, but these predictions have not been confirmed by published functional studies and their clinical significance is uncertain. In summary, the available evidence is currently insufficient to determine the role of this variant in disease. Therefore, it has been classified as a Variant of Uncertain Significance.

NM_006206.6(PDGFRA):c.208G>A (p.Glu70Lys)

Gene: PDGFRA (platelet derived growth factor receptor alpha; plus strand). Cytogenetic location: 4q12.
Variant type: single nucleotide variant.
Coding change: c.208G>A on transcript NM_006206.6 (MANE Select); coding-DNA position 208, G replaced by A.
Protein change: p.Glu70Lys; replaces glutamic acid 70 with lysine.
Molecular consequence: missense variant.
Genome position (GRCh38, 1-based): chr4:54,261,253, G>A. VCF-style: chr4-54261253-G-A. GRCh37 (hg19) VCF-style: chr4-55127420-G-A.
Other names: c.208G>A, p.Glu70Lys (NM_001347827.2, NM_001347829.2); c.283G>A, p.Glu95Lys (NM_001347828.2); c.247G>A, p.Glu83Lys (NM_001347830.2); short protein forms E83K, E95K, E70K.
Identifiers: ClinVar variation 1040313 (VCV001040313.9), dbSNP rs1722690788, ClinGen allele CA356888493.